The following is an entry in ClinVar:

ClinVar aggregate classification (germline): Uncertain significance (1 of 4 stars; one submission).

Submission:

GeneDx
Classification: Uncertain significance. Last evaluated: 2026-03-07. Review status: criteria provided, single submitter. Criteria: GeneDx Variant Classification Process June 2021. Collection method: clinical testing. Allele origin: germline.
Comment: Not observed at significant frequency in large population cohorts (gnomAD); In silico analysis suggests that this missense variant does not alter protein structure/function; Has not been previously published as pathogenic or benign to our knowledge

NM_001122752.2(SERPINI1):c.287T>A (p.Met96Lys)

Gene: SERPINI1 (serpin family I member 1; plus strand). Cytogenetic location: 3q26.1.
Variant type: single nucleotide variant.
Coding change: c.287T>A on transcript NM_001122752.2 (MANE Select); coding-DNA position 287, T replaced by A.
Protein change: p.Met96Lys; replaces methionine 96 with lysine.
Molecular consequence: missense variant.
Genome position (GRCh38, 1-based): chr3:167,790,408, T>A. VCF-style: chr3-167790408-T-A. GRCh37 (hg19) VCF-style: chr3-167508196-T-A.
Other names: c.287T>A, p.Met96Lys (NM_005025.5); short protein forms M96K.
Identifiers: ClinVar variation 5008485 (VCV005008485.1).
Genomic context (GRCh38, chr3:167,790,408, plus strand): 5'-AACTTATCCTTTCTCATCTTTCAGGTGAAGAATTTTCTTTCTTGAAGGAGTTTTCAAACA[T>A]GGTAACTGCTAAAGAGAGCCAATATGTGATGAAAATTGCCAATTCCTTGTTTGTGCAAAA-3'
Protein context (NP_001116224.1, residues 86-106): EFSFLKEFSN[Met96Lys]VTAKESQYVM